The following is an entry in ClinVar:

ClinVar aggregate classification (germline): Conflicting classifications of pathogenicity. Review status: criteria provided, conflicting classifications (1 of 4 stars). 2 submissions from 2 submitters: Pathogenic (1); Uncertain significance (1). Last evaluated 2023-10-03.

Conditions:
Weaver syndrome (WVS). Also called: Weaver Smith syndrome; Overgrowth syndrome with accelerated skeletal maturation, unusual facies, and camptodactyly. Identifiers: Orphanet 3447, MedGen C0265210, MONDO:0010193, OMIM 277590.

Submissions (2):

Labcorp Genetics (formerly Invitae), Labcorp
Classification: Pathogenic for Weaver syndrome. Last evaluated: 2023-10-03. Review status: criteria provided, single submitter. Criteria: Invitae Variant Classification Sherloc (09022015). Collection method: clinical testing. Allele origin: germline.
Comment: This sequence change replaces serine, which is neutral and polar, with asparagine, which is neutral and polar, at codon 669 of the EZH2 protein (p.Ser669Asn). This variant is not present in population databases (gnomAD no frequency). This missense change has been observed in individual(s) with clinical features of Weaver syndrome (PMID: 32243864; Invitae). In at least one individual the variant was observed to be de novo. ClinVar contains an entry for this variant (Variation ID: 1312139). Advanced modeling of protein sequence and biophysical properties (such as structural, functional, and spatial information, amino acid conservation, physicochemical variation, residue mobility, and thermodynamic stability) performed at Invitae indicates that this missense variant is expected to disrupt EZH2 protein function. For these reasons, this variant has been classified as Pathogenic.

GeneDx
Classification: Uncertain significance. Last evaluated: 2019-09-10. Review status: criteria provided, single submitter. Criteria: GeneDx Variant Classification Process June 2021. Collection method: clinical testing. Allele origin: germline. Affected: yes.
Comment: Not observed in large population cohorts (Lek et al., 2016); In silico analysis, which includes protein predictors and evolutionary conservation, supports a deleterious effect; Has not been previously published as pathogenic or benign to our knowledge; This variant is associated with the following publications: (PMID: 27997762, 32243864)

Literature cited by the submitters: PubMed 32243864 (cited by Labcorp Genetics (formerly Invitae), Labcorp).

NM_004456.5(EZH2):c.2006G>A (p.Ser669Asn)

Gene: EZH2 (enhancer of zeste 2 polycomb repressive complex 2 subunit; minus strand). Cytogenetic location: 7q36.1.
Variant type: single nucleotide variant.
Coding change: c.2006G>A on transcript NM_004456.5 (MANE Select); coding-DNA position 2006, G replaced by A.
Protein change: p.Ser669Asn; replaces serine 669 with asparagine.
Molecular consequence: missense variant.
Genome position (GRCh38, 1-based): chr7:148,810,356, C>T on the plus strand (G>A on the coding strand, the complement: EZH2 is on the minus strand). VCF-style: chr7-148810356-C-T. GRCh37 (hg19) VCF-style: chr7-148507448-C-T.
Other names: c.1991G>A, p.Ser664Asn (NM_001203247.2); c.1964G>A, p.Ser655Asn (NM_001203248.2); c.1838G>A, p.Ser613Asn (NM_001203249.2); c.1874G>A, p.Ser625Asn (NM_152998.3); short protein forms S613N, S625N, S655N, S664N, S669N.
Identifiers: ClinVar variation 1312139 (VCV001312139.7), dbSNP rs2129468233, ClinGen allele CA369712574.
Genomic context (GRCh38, chr7:148,810,356, plus strand): 5'-ACTCAGGAACTCACTGCCTCCCAGCTCTGAAACATACCATTGTTCAAGTTGAACAGAAAG[C>T]TGCACATGTATTTATCATACACTTTCCCTCTTCTGTCAGCTTCATCTTGAGAAATAATCT-3'
Protein context (NP_004447.2, residues 659-679): RGKVYDKYMC[Ser669Asn]FLFNLNNDFV